The following is an entry in ClinVar:

NM_020699.4(GATAD2B):c.127C>G (p.Leu43Val)

Gene: GATAD2B (GATA zinc finger domain containing 2B; minus strand). Cytogenetic location: 1q21.3.
Variant type: single nucleotide variant.
Coding change: c.127C>G on transcript NM_020699.4 (MANE Select); coding-DNA position 127, C replaced by G.
Protein change: p.Leu43Val; replaces leucine 43 with valine.
Molecular consequence: missense variant.
Genome position (GRCh38, 1-based): chr1:153,828,221, G>C on the plus strand (C>G on the coding strand, the complement: GATAD2B is on the minus strand). VCF-style: chr1-153828221-G-C. GRCh37 (hg19) VCF-style: chr1-153800697-G-C.
Other names: short protein forms L43V.
Identifiers: ClinVar variation 1445716 (VCV001445716.6), dbSNP rs2101891518, ClinGen allele CA342541323.

ClinVar aggregate classification (germline): Uncertain significance (1 of 4 stars; one submission).

Submission:

Labcorp Genetics (formerly Invitae), Labcorp
Classification: Uncertain significance. Last evaluated: 2021-11-15. Review status: criteria provided, single submitter. Criteria: Invitae Variant Classification Sherloc (09022015). Collection method: clinical testing. Allele origin: germline.
Comment: This sequence change replaces leucine, which is neutral and non-polar, with valine, which is neutral and non-polar, at codon 43 of the GATAD2B protein (p.Leu43Val). In summary, the available evidence is currently insufficient to determine the role of this variant in disease. Therefore, it has been classified as a Variant of Uncertain Significance. Algorithms developed to predict the effect of missense changes on protein structure and function are either unavailable or do not agree on the potential impact of this missense change (SIFT: "Not Available"; PolyPhen-2: "Probably Damaging"; Align-GVGD: "Not Available"). This variant has not been reported in the literature in individuals affected with GATAD2B-related conditions. This variant is not present in population databases (gnomAD no frequency).